The following is an entry in ClinVar:

NM_016529.6(ATP8A2):c.1762C>T (p.Arg588Trp)

Gene: ATP8A2 (ATPase phospholipid transporting 8A2). Cytogenetic location: 13q12.13.
Variant type: single nucleotide variant.
Coding change: c.1762C>T on transcript NM_016529.6 (MANE Select); coding-DNA position 1762, C replaced by T.
Protein change: p.Arg588Trp; replaces arginine 588 with tryptophan.
Molecular consequence: missense variant.
Genome position (GRCh38, 1-based): chr13:25,577,118, C>T. VCF-style: chr13-25577118-C-T. GRCh37 (hg19) VCF-style: chr13-26151256-C-T.
Other names: c.1642C>T, p.Arg548Trp (NM_001313741.1); c.1762C>T, p.Arg588Trp (NM_001411005.1, NM_001411006.1); short protein forms R548W, R588W.
Identifiers: ClinVar variation 4856236 (VCV004856236.1).

ClinVar aggregate classification (germline): Likely pathogenic (1 of 4 stars; one submission).

Conditions:
Cerebellar ataxia, impaired intellectual development, and dysequilibrium syndrome 4. Also called: CEREBELLAR ATAXIA AND MENTAL RETARDATION WITH OR WITHOUT QUADRUPEDAL LOCOMOTION 4; Cerebellar ataxia, mental retardation, and dysequilibrium syndrome 4; Cerebellar ataxia, intellectual disability, and dysequilibrium syndrome 4. Identifiers: Orphanet 1766, MedGen C3808977, MONDO:0014104, OMIM 615268.

gnomAD v4.1: 8 of 1,613,868 alleles (0.0005%); highest among the groups gnomAD compares: East Asian, 0.0022%; no homozygotes.

Submission:

3billion
Classification: Likely pathogenic for Cerebellar ataxia, impaired intellectual development, and dysequilibrium syndrome 4. Last evaluated: 2025-12-08. Review status: criteria provided, single submitter. Criteria: ACMG Guidelines, 2015. Collection method: clinical testing. Allele origin: germline. Affected: yes.
Comment: The variant is observed at an extremely low frequency in the gnomAD v4.1.0 dataset (total allele frequency: <0.001%). Predicted Consequence/Location: Missense variant. The majority of the known disease-causing variants of this gene are variants expected to result in premature termination of the protein. Functional studies provide moderate evidence of the variant having a damaging effect on the gene or gene product (PMID: 31612321). In silico tools predict the variant to alter splicing and produce an abnormal transcript [SpliceAI: 0.20 (>=0.2, moderate evidence for spliceogenicity)]. The same nucleotide change resulting in the same amino acid change has been previously reported to be associated with ATP8A2-related disorder (PMID: 31612321). Therefore, this variant is classified as Likely pathogenic according to the recommendation of ACMG/AMP guideline.

Literature cited by the submitters: PubMed 31612321.